The following is an entry in ClinVar:

ClinVar aggregate classification (germline): Uncertain significance. Review status: criteria provided, multiple submitters, no conflicts (2 of 4 stars). 2 submissions from 2 submitters: Uncertain significance (2). Last evaluated 2021-02-20.

Conditions:
Hereditary cancer-predisposing syndrome. Also called: Hereditary neoplastic syndrome; Neoplastic Syndromes, Hereditary; Tumor predisposition; Hereditary Cancer Syndrome. Identifiers: Orphanet 140162, MedGen C0027672, MeSH D009386, MONDO:0015356.
Familial adenomatous polyposis 1 (FAP1). Also called: FAMILIAL ADENOMATOUS POLYPOSIS 1, ATTENUATED; POLYPOSIS, ADENOMATOUS INTESTINAL. Identifiers: MedGen C2713442, MONDO:0021056, OMIM 175100. Disease mechanism: loss of function.

Submissions (2):

Labcorp Genetics (formerly Invitae), Labcorp
Classification: Uncertain significance for Familial adenomatous polyposis 1. Last evaluated: 2021-02-20. Review status: criteria provided, single submitter. Criteria: Invitae Variant Classification Sherloc (09022015). Collection method: clinical testing. Allele origin: germline.
Comment: This sequence change replaces isoleucine with threonine at codon 228 of the APC protein (p.Ile228Thr). The isoleucine residue is moderately conserved and there is a moderate physicochemical difference between isoleucine and threonine. This variant is not present in population databases (ExAC no frequency). This variant has not been reported in the literature in individuals with APC-related conditions. Algorithms developed to predict the effect of missense changes on protein structure and function are either unavailable or do not agree on the potential impact of this missense change (SIFT: "Deleterious"; PolyPhen-2: "Possibly Damaging"; Align-GVGD: "Class C0"). In summary, the available evidence is currently insufficient to determine the role of this variant in disease. Therefore, it has been classified as a Variant of Uncertain Significance.

Ambry Genetics
Classification: Uncertain significance for Hereditary cancer-predisposing syndrome. Last evaluated: 2015-10-20. Review status: criteria provided, single submitter. Criteria: Ambry Variant Classification Scheme 2023. Collection method: clinical testing. Allele origin: germline.
Comment: The p.I228T variant (also known as c.683T>C), located in coding exon 6 of the APC gene, results from a T to C substitution at nucleotide position 683. The isoleucine at codon 228 is replaced by threonine, an amino acid with similar properties. This variant was not reported in population based cohorts in the following databases: Database of Single Nucleotide Polymorphisms (dbSNP), NHLBI Exome Sequencing Project (ESP), and 1000 Genomes Project. In the ESP, this variant was not observed in 6502 samples (13004 alleles) with coverage at this position. To date, this alteration has been detected with an allele frequency of approximately 0.03% (greater than 32000 alleles tested) in our clinical cohort. This amino acid position is highly conserved in available vertebrate species. In addition, in silico predictors for this gene do not accurately predict pathogenicity. Since supporting evidence is limited at this time, the clinical significance of p.I228T remains unclear.

NM_000038.6(APC):c.683T>C (p.Ile228Thr)

Gene: APC (APC regulator of Wnt signaling pathway; plus strand). Cytogenetic location: 5q22.2.
Variant type: single nucleotide variant.
Coding change: c.683T>C on transcript NM_000038.6 (MANE Select); coding-DNA position 683, T replaced by C.
Protein change: p.Ile228Thr; replaces isoleucine 228 with threonine.
Molecular consequence: missense variant. On other transcripts: 5 prime UTR variant (1), intron variant (2).
Genome position (GRCh38, 1-based): chr5:112,792,483, T>C. VCF-style: chr5-112792483-T-C. GRCh37 (hg19) VCF-style: chr5-112128180-T-C.
Other names: c.683T>C, p.Ile228Thr (NM_001127510.3, NM_001354895.2, NM_001354896.2 and 1 more transcripts); c.713T>C, p.Ile238Thr (NM_001354897.2, NM_001354902.2); c.608T>C, p.Ile203Thr (NM_001354898.2, NM_001354904.2); c.506T>C, p.Ile169Thr (NM_001354900.2, NM_001354901.2, NM_001354905.2); c.-353T>C (NM_001354906.2); c.676-8796T>C (NM_001127511.3); c.646-8796T>C (NM_001354899.2); short protein forms I169T, I228T, I238T, I203T.
Identifiers: ClinVar variation 1512303 (VCV001512303.10), dbSNP rs2149684377, ClinGen allele CA16022833.